The following is an entry in ClinVar:

ClinVar aggregate classification (germline): Likely pathogenic (1 of 4 stars; one submission).

Submission:

Labcorp Genetics (formerly Invitae), Labcorp
Classification: Likely pathogenic. Last evaluated: 2023-05-21. Review status: criteria provided, single submitter. Criteria: Invitae Variant Classification Sherloc (09022015). Collection method: clinical testing. Allele origin: unknown.
Comment: In summary, the currently available evidence indicates that the variant is pathogenic, but additional data are needed to prove that conclusively. Therefore, this variant has been classified as Likely Pathogenic. This variant has not been reported in the literature in individuals affected with EYS-related conditions. This variant results in a copy number gain of the genomic region encompassing exon(s) 33 of the EYS gene. While the exact position of this variant cannot be determined from the data, sub-genic copy number gains are generally in tandem (PMID: 25640679). This variant is predicted to be out-of-frame, and may result in an absent or disrupted protein product. Loss-of-function variants in EYS are known to be pathogenic (PMID: 18836446, 20333770).

Literature cited by the submitters: PubMed 25640679; PubMed 18836446; PubMed 20333770.

NC_000006.11:g.(?_64776211)_(64776404_?)dup

Gene: EYS (eyes shut homolog; minus strand). Cytogenetic location: 6q12.
Variant type: Duplication.
Identifiers: ClinVar variation 3246132 (VCV003246132.1).